The following is an entry in ClinVar:

NM_004006.3(DMD):c.1299C>T (p.Cys433=)

Gene: DMD (dystrophin; minus strand). Cytogenetic location: Xp21.1.
Variant type: single nucleotide variant.
Coding change: c.1299C>T on transcript NM_004006.3 (MANE Select); coding-DNA position 1299, C replaced by T.
Protein change: p.Cys433=; no amino-acid change (cysteine 433 retained).
Molecular consequence: synonymous variant.
Genome position (GRCh38, 1-based): chrX:32,644,164, G>A on the plus strand (C>T on the coding strand, the complement: DMD is on the minus strand). VCF-style: chrX-32644164-G-A. GRCh37 (hg19) VCF-style: chrX-32662281-G-A.
Other names: c.1275C>T, p.Cys425= (NM_000109.4); c.1287C>T, p.Cys429= (NM_004009.3); c.930C>T, p.Cys310= (NM_004010.3).
Identifiers: ClinVar variation 1128448 (VCV001128448.13), dbSNP rs372135475, ClinGen allele CA10379932.
Genomic context (GRCh38, chrX:32,644,164, plus strand): 5'-TCTTAATTAAAAACAAATAAGGACTTACTTGCTTTGTTTTTCCATGCTAGCTACCCTGAG[G>A]CATTCCCATCTTGAATTTAGGAGATTCATCTGCTCTTGTACTTCAGTTTCTTCATCTTCT-3'
Protein context (NP_003997.2, residues 423-443): QMNLLNSRWE[Cys433=]LRVASMEKQS

ClinVar aggregate classification (germline): Likely benign. Review status: criteria provided, multiple submitters, no conflicts (2 of 4 stars). 3 submissions from 3 submitters: Likely benign (2). 1 of the submissions does not count toward it. Last evaluated 2025-06-03.

Conditions:
Cardiovascular phenotype. Identifiers: MedGen CN230736.
DMD-related disorder. Also called: DMD-related condition.
Duchenne muscular dystrophy (DMD). Also called: Duchenne Muscular Dystrophy (DMD); MUSCULAR DYSTROPHY, PSEUDOHYPERTROPHIC PROGRESSIVE, DUCHENNE TYPE. Identifiers: Orphanet 98896, MedGen C0013264, MONDO:0010679, OMIM 310200.

Allele frequency attached by ClinVar (database versions not stated): gnomAD exomes below 0.00001 and 0.00001; ExAC 0.00001; TOPMed 0.00001; gnomAD 0.00002; ESP Exome Variant Server 0.00009.
gnomAD v4.1: 6 of 1,207,433 alleles (0.0005%); highest among the groups gnomAD compares: African/African-American, 0.0053%; no homozygotes.

Submissions (3):

Labcorp Genetics (formerly Invitae), Labcorp
Classification: Likely benign for Duchenne muscular dystrophy. Last evaluated: 2025-06-03. Review status: criteria provided, single submitter. Criteria: Invitae Variant Classification Sherloc (09022015). Collection method: clinical testing. Allele origin: germline.

Ambry Genetics
Classification: Likely benign for Cardiovascular phenotype. Last evaluated: 2019-12-11. Review status: criteria provided, single submitter. Criteria: Ambry Variant Classification Scheme 2023. Collection method: clinical testing. Allele origin: germline.

PreventionGenetics, part of Exact Sciences
Classification: Likely benign for DMD-related condition. Last evaluated: 2019-04-15. Review status: no assertion criteria provided. Collection method: clinical testing. Allele origin: germline. Not counted in ClinVar's aggregate classification.
Comment: This variant is classified as likely benign based on ACMG/AMP sequence variant interpretation guidelines (Richards et al. 2015 PMID: 25741868, with internal and published modifications).